The following is an entry in ClinVar:

NM_001352027.3(PHF21A):c.1554C>T (p.Pro518=)

Gene: PHF21A (PHD finger protein 21A; minus strand). Cytogenetic location: 11p11.2.
Variant type: single nucleotide variant.
Coding change: c.1554C>T on transcript NM_001352027.3 (MANE Select); coding-DNA position 1554, C replaced by T.
Protein change: p.Pro518=; no amino-acid change (proline 518 retained).
Molecular consequence: synonymous variant. On other transcripts: non-coding transcript variant (2).
Genome position (GRCh38, 1-based): chr11:45,938,211, G>A on the plus strand (C>T on the coding strand, the complement: PHF21A is on the minus strand). VCF-style: chr11-45938211-G-A. GRCh37 (hg19) VCF-style: chr11-45959762-G-A.
Other names: c.1551C>T, p.Pro517= (NM_001101802.3); c.1554C>T, p.Pro518= (NM_001352025.3, NM_001352026.3); c.1413C>T, p.Pro471= (NM_001352028.1, NM_001352029.1, NM_016621.5); c.1410C>T, p.Pro470= (NM_001352030.3, NM_001352031.3, NM_001352032.3).
Identifiers: ClinVar variation 2641736 (VCV002641736.25), dbSNP rs550281826, ClinGen allele CA5961076.
Genomic context (GRCh38, chr11:45,938,211, plus strand): 5'-CAGTACCTGGTCCTGACATCTGGGACAGATCCACATGCCCTTGGGAATTGTTTTCAGAGG[G>A]GGGTCTAAGCAGTCCAAATGATATACACGGGAACATGTGTCGCACATCAGTAACTGGCCA-3'
Protein context (NP_001338956.1, residues 508-528): SRVYHLDCLD[Pro518=]PLKTIPKGMW

ClinVar aggregate classification (germline): Likely benign. Review status: criteria provided, multiple submitters, no conflicts (2 of 4 stars). 2 submissions from 2 submitters: Likely benign (2). Last evaluated 2022-10-06.

gnomAD v4.1: 3 of 1,606,276 alleles (0.00019%); highest among the groups gnomAD compares: East Asian, 0.0067%; no homozygotes.

Submissions (2):

Blueprint Genetics
Classification: Likely benign. Last evaluated: 2022-10-06. Review status: criteria provided, single submitter. Criteria: ACMG Guidelines, 2015. Collection method: clinical testing. Allele origin: germline.

CeGaT Center for Human Genetics Tuebingen
Classification: Likely benign. Last evaluated: 2022-05-01. Review status: criteria provided, single submitter. Criteria: CeGaT Center For Human Genetics Tuebingen Variant Classification Criteria Version 2. Collection method: clinical testing. Allele origin: germline. Affected: yes. Observed: 1 variant allele.
Comment: PHF21A: BP4, BP7